The following is an entry in ClinVar:

NM_000548.5(TSC2):c.1220A>T (p.Tyr407Phe)

Gene: TSC2 (TSC complex subunit 2; plus strand). Cytogenetic location: 16p13.3.
Variant type: single nucleotide variant.
Coding change: c.1220A>T on transcript NM_000548.5 (MANE Select); coding-DNA position 1220, A replaced by T.
Protein change: p.Tyr407Phe; replaces tyrosine 407 with phenylalanine.
Molecular consequence: missense variant.
Genome position (GRCh38, 1-based): chr16:2,061,971, A>T. VCF-style: chr16-2061971-A-T. GRCh37 (hg19) VCF-style: chr16-2111972-A-T.
Other names: c.1220A>T, p.Tyr407Phe (NM_001077183.3, NM_001114382.3, NM_001363528.2 and 3 more transcripts); c.1109A>T, p.Tyr370Phe (NM_001318827.2); c.1073A>T, p.Tyr358Phe (NM_001318829.2); c.620A>T, p.Tyr207Phe (NM_001318831.2); c.1253A>T, p.Tyr418Phe (NM_001318832.2); short protein forms Y207F, Y358F, Y407F, Y418F, Y370F.
Identifiers: ClinVar variation 946811 (VCV000946811.1), dbSNP rs1596303621, ClinGen allele CA394321126.
Genomic context (GRCh38, chr16:2,061,971, plus strand): 5'-TGTTGACCACGGTGGAGGAGCTGTGTGACCAGAACGAGTTCCACGGGTCTCAGGAGAGAT[A>T]CTTTGAACTGGTGGAGAGATGTGCGGACCAGAGGCCTGTGAGACCCCCTCCTGGGTGGGG-3'
Protein context (NP_000539.2, residues 397-417): QNEFHGSQER[Tyr407Phe]FELVERCADQ

ClinVar aggregate classification (germline): Uncertain significance (1 of 4 stars; one submission).

Conditions:
Tuberous sclerosis 2 (TSC2). Identifiers: Orphanet 805, MedGen C1860707, MONDO:0013199, OMIM 613254.

Allele frequency attached by ClinVar (database versions not stated): gnomAD exomes below 0.00001.
gnomAD v4.1: 2 of 1,614,148 alleles (0.00012%); highest among the groups gnomAD compares: Non-Finnish European, 0.00017%; no homozygotes.

Submission:

Labcorp Genetics (formerly Invitae), Labcorp
Classification: Uncertain significance for Tuberous sclerosis 2. Last evaluated: 2019-06-25. Review status: criteria provided, single submitter. Criteria: Invitae Variant Classification Sherloc (09022015). Collection method: clinical testing. Allele origin: germline.
Comment: This sequence change replaces tyrosine with phenylalanine at codon 407 of the TSC2 protein (p.Tyr407Phe). The tyrosine residue is moderately conserved and there is a small physicochemical difference between tyrosine and phenylalanine. This variant is not present in population databases (ExAC no frequency). This variant has not been reported in the literature in individuals with TSC2-related conditions. Algorithms developed to predict the effect of missense changes on protein structure and function output the following: SIFT: "Tolerated"; PolyPhen-2: "Benign"; Align-GVGD: "Class C0". The phenylalanine amino acid residue is found in multiple mammalian species, suggesting that this missense change does not adversely affect protein function. These predictions have not been confirmed by published functional studies and their clinical significance is uncertain. In summary, the available evidence is currently insufficient to determine the role of this variant in disease. Therefore, it has been classified as a Variant of Uncertain Significance.